The following is an entry in ClinVar:

NM_005359.6(SMAD4):c.1309G>A (p.Val437Ile)

Gene: SMAD4 (SMAD family member 4; plus strand). Cytogenetic location: 18q21.2.
Variant type: single nucleotide variant.
Coding change: c.1309G>A on transcript NM_005359.6 (MANE Select); coding-DNA position 1309, G replaced by A.
Protein change: p.Val437Ile; replaces valine 437 with isoleucine.
Molecular consequence: missense variant.
Genome position (GRCh38, 1-based): chr18:51,076,638, G>A. VCF-style: chr18-51076638-G-A. GRCh37 (hg19) VCF-style: chr18-48603008-G-A.
Other names: short protein forms V437I.
Identifiers: ClinVar variation 630855 (VCV000630855.11), dbSNP rs1568211172, ClinGen allele CA402465098.

ClinVar aggregate classification (germline): Conflicting classifications of pathogenicity. Review status: criteria provided, conflicting classifications (1 of 4 stars). 4 submissions from 4 submitters: Likely pathogenic (1); Uncertain significance (3). Last evaluated 2023-08-09.

Conditions:
Juvenile polyposis syndrome (JPS). Identifiers: Orphanet 2929, MedGen C0345893, MONDO:0017380, OMIM 174900.
Hereditary cancer-predisposing syndrome. Also called: Hereditary neoplastic syndrome; Neoplastic Syndromes, Hereditary; Tumor predisposition; Hereditary Cancer Syndrome. Identifiers: Orphanet 140162, MedGen C0027672, MeSH D009386, MONDO:0015356.
Juvenile polyposis/hereditary hemorrhagic telangiectasia syndrome (JPHT). Also called: Juvenile Polyposis Syndrome / Hereditary Hemorrhagic Telangiectasia (JPS/HHT); JP/HHT SYNDROME; JUVENILE POLYPOSIS WITH HEREDITARY HEMORRHAGIC TELANGIECTASIA; POLYPOSIS, GENERALIZED JUVENILE, WITH PULMONARY ARTERIOVENOUS MALFORMATION; TELANGIECTASIA, HEREDITARY HEMORRHAGIC, WITH JUVENILE POLYPOSIS COLI. Identifiers: Orphanet 2929, MedGen C1832942, MONDO:0008278, OMIM 175050.

Allele frequency attached by ClinVar (database versions not stated): gnomAD exomes below 0.00001.
gnomAD v4.1: 1 of 1,613,564 alleles (0.000062%); highest among the groups gnomAD compares: South Asian, 0.0011%; no homozygotes.

Submissions (4):

Baylor Genetics
Classification: Uncertain significance for Juvenile polyposis/hereditary hemorrhagic telangiectasia syndrome. Last evaluated: 2023-08-09. Review status: criteria provided, single submitter. Criteria: ACMG Guidelines, 2015. Collection method: clinical testing. Allele origin: unknown.

Labcorp Genetics (formerly Invitae), Labcorp
Classification: Uncertain significance for Juvenile polyposis syndrome. Last evaluated: 2021-11-15. Review status: criteria provided, single submitter. Criteria: Invitae Variant Classification Sherloc (09022015). Collection method: clinical testing. Allele origin: germline.
Comment: This sequence change replaces valine, which is neutral and non-polar, with isoleucine, which is neutral and non-polar, at codon 437 of the SMAD4 protein (p.Val437Ile). In summary, the available evidence is currently insufficient to determine the role of this variant in disease. Therefore, it has been classified as a Variant of Uncertain Significance. Algorithms developed to predict the effect of sequence changes on RNA splicing suggest that this variant may disrupt the consensus splice site. Algorithms developed to predict the effect of missense changes on protein structure and function are either unavailable or do not agree on the potential impact of this missense change (SIFT: "Tolerated"; PolyPhen-2: "Probably Damaging"; Align-GVGD: "Class C0"). ClinVar contains an entry for this variant (Variation ID: 630855). This missense change has been observed in individual(s) with clinical features of hereditary hemorrhagic telangiectasia (PMID: 32573726). This variant is not present in population databases (gnomAD no frequency).

Color Diagnostics, LLC DBA Color Health
Classification: Uncertain significance for Hereditary cancer-predisposing syndrome. Last evaluated: 2019-06-30. Review status: criteria provided, single submitter. Criteria: ACMG Guidelines, 2015. Collection method: clinical testing. Allele origin: germline.

NIHR Bioresource Rare Diseases, University of Cambridge
Classification: Likely pathogenic for Juvenile polyposis/hereditary hemorrhagic telangiectasia syndrome. Last evaluated: 2018-01-01. Review status: criteria provided, single submitter. Criteria: ACMG Guidelines, 2015. Collection method: research. Allele origin: unknown. Affected: yes. Observed: 1 variant allele.
Comment: PM2+PM1+PP3+PP4

Literature cited by the submitters: PubMed 32573726 (cited by Labcorp Genetics (formerly Invitae), Labcorp and NIHR Bioresource Rare Diseases, University of Cambridge).